The following is an entry in ClinVar:

NM_003024.3(ITSN1):c.2708C>T (p.Pro903Leu)

Gene: ITSN1 (intersectin 1; plus strand). Cytogenetic location: 21q22.11.
Variant type: single nucleotide variant.
Coding change: c.2708C>T on transcript NM_003024.3 (MANE Select); coding-DNA position 2708, C replaced by T.
Protein change: p.Pro903Leu; replaces proline 903 with leucine.
Molecular consequence: missense variant.
Genome position (GRCh38, 1-based): chr21:33,814,053, C>T. VCF-style: chr21-33814053-C-T. GRCh37 (hg19) VCF-style: chr21-35186357-C-T.
Other names: c.2708C>T, p.Pro903Leu (NM_001001132.2, NM_001331008.2); c.2693C>T, p.Pro898Leu (NM_001331009.2, NM_001331010.2, NM_001331011.2); c.2582C>T, p.Pro861Leu (NM_001331012.2); short protein forms P861L, P898L, P903L.
Identifiers: ClinVar variation 3048251 (VCV003048251.15), dbSNP rs143723211, ClinGen allele CA10011896.

ClinVar aggregate classification (germline): Likely benign. Review status: criteria provided, single submitter (1 of 4 stars). 2 submissions from 2 submitters: Likely benign (1). 1 of the submissions does not count toward it. Last evaluated 2025-10-01.

Conditions:
ITSN1-related disorder. Also called: ITSN1-related condition.

Allele frequency attached by ClinVar (database versions not stated): 1000 Genomes Project 0.00020; 1000 Genomes Project 30x 0.00031; ESP Exome Variant Server 0.00069; gnomAD 0.00092; ExAC 0.00100; TOPMed 0.00094; gnomAD exomes 0.00099.
gnomAD v4.1: 1,611 of 1,614,116 alleles (0.1%); highest among the groups gnomAD compares: Non-Finnish European, 0.093%; 3 homozygotes.

Submissions (2):

CeGaT Center for Human Genetics Tuebingen
Classification: Likely benign. Last evaluated: 2025-10-01. Review status: criteria provided, single submitter. Criteria: CeGaT Center For Human Genetics Tuebingen Variant Classification Criteria Version 2. Collection method: clinical testing. Allele origin: germline. Affected: yes. Observed: 2 variant alleles.
Comment: ITSN1: BS1

PreventionGenetics, part of Exact Sciences
Classification: Benign for ITSN1-related condition. Last evaluated: 2019-11-26. Review status: no assertion criteria provided. Collection method: clinical testing. Allele origin: germline. Not counted in ClinVar's aggregate classification.
Comment: This variant is classified as benign based on ACMG/AMP sequence variant interpretation guidelines (Richards et al. 2015 PMID: 25741868, with internal and published modifications).